The following is an entry in ClinVar:

ClinVar aggregate classification (germline): Uncertain significance. Review status: criteria provided, multiple submitters, no conflicts (2 of 4 stars). 2 submissions from 2 submitters: Uncertain significance (2). Last evaluated 2025-10-01.

gnomAD v4.1: 68 of 1,613,094 alleles (0.0042%); highest among the groups gnomAD compares: South Asian, 0.063%; no homozygotes.

Submissions (2):

Labcorp Genetics (formerly Invitae), Labcorp
Classification: Uncertain significance. Last evaluated: 2025-10-01. Review status: criteria provided, single submitter. Criteria: Invitae Variant Classification Sherloc (09022015). Collection method: clinical testing. Allele origin: germline.
Comment: This sequence change replaces serine, which is neutral and polar, with isoleucine, which is neutral and non-polar, at codon 766 of the DLC1 protein (p.Ser766Ile). This variant is present in population databases (rs757442413, gnomAD 0.06%), and has an allele count higher than expected for a pathogenic variant. This variant has not been reported in the literature in individuals affected with DLC1-related conditions. ClinVar contains an entry for this variant (Variation ID: 3272202). An algorithm developed to predict the effect of missense changes on protein structure and function (PolyPhen-2) suggests that this variant is likely to be disruptive. In summary, the available evidence is currently insufficient to determine the role of this variant in disease. Therefore, it has been classified as a Variant of Uncertain Significance.

Ambry Genetics
Classification: Uncertain significance. Last evaluated: 2024-04-08. Review status: criteria provided, single submitter. Criteria: Ambry Variant Classification Scheme 2023. Collection method: clinical testing. Allele origin: germline.

NM_182643.3(DLC1):c.2297G>T (p.Ser766Ile)

Gene: DLC1 (DLC1 Rho GTPase activating protein; minus strand). Cytogenetic location: 8p22.
Variant type: single nucleotide variant.
Coding change: c.2297G>T on transcript NM_182643.3 (MANE Select); coding-DNA position 2297, G replaced by T.
Protein change: p.Ser766Ile; replaces serine 766 with isoleucine.
Molecular consequence: missense variant.
Genome position (GRCh38, 1-based): chr8:13,100,040, C>A on the plus strand (G>T on the coding strand, the complement: DLC1 is on the minus strand). VCF-style: chr8-13100040-C-A. GRCh37 (hg19) VCF-style: chr8-12957549-C-A.
Other names: c.764G>T, p.Ser255Ile (NM_001164271.2, NM_001348082.2, NM_001348083.1 and 6 more transcripts); c.1088G>T, p.Ser363Ile (NM_001316668.2, NM_001413129.1); c.2297G>T, p.Ser766Ile (NM_001348081.2, NM_001413124.1); c.1079G>T, p.Ser360Ile (NM_001413130.1); c.737G>T, p.Ser246Ile (NM_001413131.1, NM_001413137.1); c.1223G>T, p.Ser408Ile (NM_001413132.1); c.986G>T, p.Ser329Ile (NM_001413135.1, NM_001413136.1, NM_001413139.1 and 1 more transcripts); c.1121G>T, p.Ser374Ile (NM_001413140.1); short protein forms S360I, S374I, S329I, S408I, S766I, S246I, S255I, S363I.
Identifiers: ClinVar variation 3272202 (VCV003272202.2).